The following is an entry in ClinVar:

NM_002063.4(GLRA2):c.324G>A (p.Ala108=)

Gene: GLRA2 (glycine receptor alpha 2; plus strand). Cytogenetic location: Xp22.2.
Variant type: single nucleotide variant.
Coding change: c.324G>A on transcript NM_002063.4 (MANE Select); coding-DNA position 324, G replaced by A.
Protein change: p.Ala108=; no amino-acid change (alanine 108 retained).
Molecular consequence: synonymous variant.
Genome position (GRCh38, 1-based): chrX:14,581,236, G>A. VCF-style: chrX-14581236-G-A. GRCh37 (hg19) VCF-style: chrX-14599358-G-A.
Other names: c.324G>A, p.Ala108= (NM_001118885.2, NM_001118886.2); c.57G>A, p.Ala19= (NM_001171942.2).
Identifiers: ClinVar variation 3039889 (VCV003039889.2), dbSNP rs199797447, ClinGen allele CA10352703.

ClinVar aggregate classification (germline): Likely benign (0 of 4 stars; one submission).

Conditions:
GLRA2-related disorder. Also called: GLRA2-related condition.

Allele frequency attached by ClinVar (database versions not stated): gnomAD exomes 0.00002; gnomAD 0.00003; ExAC 0.00006; 1000 Genomes Project 30x 0.00021; 1000 Genomes Project 0.00026.
gnomAD v4.1: 25 of 1,187,078 alleles (0.0021%); highest among the groups gnomAD compares: East Asian, 0.0089%; no homozygotes.

Submission:

PreventionGenetics, part of Exact Sciences
Classification: Likely benign for GLRA2-related condition. Last evaluated: 2019-09-10. Review status: no assertion criteria provided. Collection method: clinical testing. Allele origin: germline.
Comment: This variant is classified as likely benign based on ACMG/AMP sequence variant interpretation guidelines (Richards et al. 2015 PMID: 25741868, with internal and published modifications).